The following is an entry in ClinVar:

NC_000011.10:g.(?_44096233)_(44244388_?)del

Gene: EXT2 (exostosin glycosyltransferase 2; plus strand). Cytogenetic location: 11p11.2.
Variant type: Deletion.
Identifiers: ClinVar variation 833128 (VCV000833128.8).

ClinVar aggregate classification (germline): Pathogenic (1 of 4 stars; one submission).

Conditions:
Exostoses, multiple, type 2 (EXT2). Also called: Hereditary Multiple Osteochondromatosis, Type II; EXOSTOSES, MULTIPLE, TYPE II. Identifiers: Orphanet 321, MedGen C1851413, MONDO:0007586, OMIM 133701.

Submission:

Labcorp Genetics (formerly Invitae), Labcorp
Classification: Pathogenic for Exostoses, multiple, type 2. Last evaluated: 2019-06-26. Review status: criteria provided, single submitter. Criteria: Invitae Variant Classification Sherloc (09022015). Collection method: clinical testing. Allele origin: germline.
Comment: For these reasons, this variant has been classified as Pathogenic. Loss-of-function variants in EXT2 are known to be pathogenic (PMID: 10679937, 19810120). A similar copy number¬†variant has been observed in several individuals affected with hereditary multiple osteochondromatosis (PMID: 12239711, 22382802). A gross deletion of the genomic region encompassing the full coding sequence of the EXT2 gene has been identified. The boundaries of this event are unknown as the deletion extends beyond the assayed region for this gene and therefore may encompass additional genes.

Literature cited by the submitters: PubMed 10679937; PubMed 19810120; PubMed 12239711; PubMed 22382802.